The following is an entry in ClinVar:

ClinVar aggregate classification (germline): Pathogenic (1 of 4 stars; one submission).

Submission:

Labcorp Genetics (formerly Invitae), Labcorp
Classification: Pathogenic. Last evaluated: 2022-05-19. Review status: criteria provided, single submitter. Criteria: Invitae Variant Classification Sherloc (09022015). Collection method: clinical testing. Allele origin: germline.
Comment: For these reasons, this variant has been classified as Pathogenic. This variant has not been reported in the literature in individuals affected with MTTP-related conditions. This variant is not present in population databases (gnomAD no frequency). This sequence change creates a premature translational stop signal (p.Glu354Tyrfs*18) in the MTTP gene. It is expected to result in an absent or disrupted protein product. Loss-of-function variants in MTTP are known to be pathogenic (PMID: 8533758, 9671739).

Literature cited by the submitters: PubMed 8533758; PubMed 9671739.

NM_001386140.1(MTTP):c.1060_1063del (p.Glu354fs)

Gene: MTTP (microsomal triglyceride transfer protein; plus strand). Cytogenetic location: 4q23.
Variant type: Deletion.
Coding change: c.1060_1063del on transcript NM_001386140.1 (MANE Select); coding-DNA positions 1060 to 1063, 4 bases deleted (GAAG; older notation c.1060_1063delGAAG).
Protein change: p.Glu354fs; shifts the reading frame from glutamic acid 354.
Molecular consequence: frameshift variant.
Genome position (GRCh38, 1-based): chr4:99,597,217-99,597,220, GAAG deleted; deleting any 4 consecutive bases within chr4:99,597,214-99,597,220 gives the same sequence; the c. name uses the placement nearest the transcript's 3' end. VCF-style (leftmost placement, unchanged base first): chr4-99597213-TAAGG-T. GRCh37 (hg19) VCF-style: chr4-100518370-TAAGG-T.
Other names: c.1060_1063del, p.Glu354fs (NM_000253.4); c.811_814del, p.Glu271fs (NM_001300785.2); short protein forms E271fs, E354fs.
Identifiers: ClinVar variation 1996484 (VCV001996484.4), dbSNP rs2476118381, ClinGen allele CA2580071909.
Genomic context (GRCh38, chr4:99,597,213, plus strand): 5'-CATTCAGCACCTCAGGACTGCGAAGAAAGAAGAGATCCTTCAAATACTAAAGATGGAAAA[TAAGG>T]AAGTATTGTAAGTTCCCCAACCTTTGTGTGGGGTTGTCTGTCAGAAACATTTCTGGATTG-3'